The following is an entry in ClinVar:

ClinVar aggregate classification (germline): Uncertain significance (1 of 4 stars; one submission).

Conditions:
Long QT syndrome (LQTS). Identifiers: MedGen C0023976, MeSH D008133, MONDO:0002442. Disease mechanism: loss of function. Inheritance: Various modes of inheritance.

Allele frequency attached by ClinVar (database versions not stated): gnomAD exomes below 0.00001; TOPMed 0.00001.
gnomAD v4.1: 3 of 1,614,088 alleles (0.00019%); highest among the groups gnomAD compares: Non-Finnish European, 0.00025%; no homozygotes.

Submission:

Labcorp Genetics (formerly Invitae), Labcorp
Classification: Uncertain significance for Long QT syndrome. Last evaluated: 2023-08-02. Review status: criteria provided, single submitter. Criteria: Invitae Variant Classification Sherloc (09022015). Collection method: clinical testing. Allele origin: germline.
Comment: In summary, the available evidence is currently insufficient to determine the role of this variant in disease. Therefore, it has been classified as a Variant of Uncertain Significance. Algorithms developed to predict the effect of missense changes on protein structure and function output the following: SIFT: "Not Available"; PolyPhen-2: "Benign"; Align-GVGD: "Not Available". The methionine amino acid residue is found in multiple mammalian species, which suggests that this missense change does not adversely affect protein function. This variant has not been reported in the literature in individuals affected with AKAP9-related conditions. This variant is not present in population databases (gnomAD no frequency). This sequence change replaces valine, which is neutral and non-polar, with methionine, which is neutral and non-polar, at codon 2390 of the AKAP9 protein (p.Val2390Met).

NM_005751.5(AKAP9):c.7168G>A (p.Val2390Met)

Gene: AKAP9 (A-kinase anchoring protein 9; plus strand). Cytogenetic location: 7q21.2.
Variant type: single nucleotide variant.
Coding change: c.7168G>A on transcript NM_005751.5 (MANE Select); coding-DNA position 7168, G replaced by A.
Protein change: p.Val2390Met; replaces valine 2390 with methionine.
Molecular consequence: missense variant.
Genome position (GRCh38, 1-based): chr7:92,079,301, G>A. VCF-style: chr7-92079301-G-A. GRCh37 (hg19) VCF-style: chr7-91708615-G-A.
Other names: c.1813G>A, p.Val605Met (NM_001379277.1); c.7144G>A, p.Val2382Met (NM_147185.3); short protein forms V2382M, V2390M, V605M.
Identifiers: ClinVar variation 2875671 (VCV002875671.3), dbSNP rs1347909469, ClinGen allele CA368135121.